The following is an entry in ClinVar:

NM_001844.5(COL2A1):c.3446G>A (p.Gly1149Glu)

Gene: COL2A1 (collagen type II alpha 1 chain; minus strand). Cytogenetic location: 12q13.11.
Variant type: single nucleotide variant.
Coding change: c.3446G>A on transcript NM_001844.5 (MANE Select); coding-DNA position 3446, G replaced by A.
Protein change: p.Gly1149Glu; replaces glycine 1149 with glutamic acid.
Molecular consequence: missense variant.
Genome position (GRCh38, 1-based): chr12:47,976,557, C>T on the plus strand (G>A on the coding strand, the complement: COL2A1 is on the minus strand). VCF-style: chr12-47976557-C-T. GRCh37 (hg19) VCF-style: chr12-48370340-C-T.
Other names: c.3239G>A, p.Gly1080Glu (NM_033150.3); short protein forms G1080E, G1149E.
Identifiers: ClinVar variation 994199 (VCV000994199.8), dbSNP rs1938718512, ClinGen allele CA384537560.

ClinVar aggregate classification (germline): Likely pathogenic (1 of 4 stars; one submission).

Submission:

ARUP Laboratories, Molecular Genetics and Genomics, ARUP Laboratories
Classification: Likely pathogenic. Last evaluated: 2019-12-11. Review status: criteria provided, single submitter. Criteria: ARUP Molecular Germline Variant Investigation Process. Collection method: clinical testing. Allele origin: germline.
Comment: The COL2A1 c.3446G>A; p.Gly1149Glu variant, to our knowledge, is not reported in the medical literature or gene specific databases. This variant is [also] absent from general population databases (Exome Variant Server, Genome Aggregation Database), indicating it is not a common polymorphism. The glycine at codon 1149 is highly conserved, and computational analyses (SIFT, PolyPhen-2) predict that this variant is deleterious. This variant disrupts the repeating Gly-X-Y sequence motif of the collagen triple helix and is predicted to impair collagen function (Barat-Houari 2016). Based on available information, this variant is considered to be likely pathogenic. References: Barat-Houari M et al. Mutation Update for COL2A1 Gene Variants Associated with Type II Collagenopathies. Hum Mutat. 2016 Jan;37(1):7-15.